The following is an entry in ClinVar:

NM_001041.4(SI):c.4692+1G>C

Gene: SI (sucrase-isomaltase; minus strand). Cytogenetic location: 3q26.1.
Variant type: single nucleotide variant.
Coding change: c.4692+1G>C on transcript NM_001041.4 (MANE Select); the canonical splice donor site of the intron after coding-DNA position 4692, G replaced by C.
Molecular consequence: splice donor variant.
Genome position (GRCh38, 1-based): chr3:164,996,534, C>G on the plus strand (G>C on the coding strand, the complement: SI is on the minus strand). VCF-style: chr3-164996534-C-G. GRCh37 (hg19) VCF-style: chr3-164714322-C-G.
Identifiers: ClinVar variation 2785782 (VCV002785782.3), dbSNP rs780003350, ClinGen allele CA2689834.

ClinVar aggregate classification (germline): Likely pathogenic (1 of 4 stars; one submission).

Allele frequency attached by ClinVar (database versions not stated): gnomAD exomes 0.00001; TOPMed 0.00001; ExAC 0.00001; gnomAD 0.00001.
gnomAD v4.1: 9 of 1,417,476 alleles (0.00063%); highest among the groups gnomAD compares: Non-Finnish European, 0.0009%; no homozygotes.

Submission:

Labcorp Genetics (formerly Invitae), Labcorp
Classification: Likely pathogenic. Last evaluated: 2025-11-27. Review status: criteria provided, single submitter. Criteria: Invitae Variant Classification Sherloc (09022015). Collection method: clinical testing. Allele origin: germline.
Comment: This sequence change affects a donor splice site in intron 40 of the SI gene. It is expected to disrupt RNA splicing. Variants that disrupt the donor or acceptor splice site typically lead to a loss of protein function (PMID: 16199547), and loss-of-function variants in SI are known to be pathogenic (PMID: 16329100, 23103650, 25452324). This variant is present in population databases (rs780003350, gnomAD 0.003%). This variant has not been reported in the literature in individuals affected with SI-related conditions. ClinVar contains an entry for this variant (Variation ID: 2785782). Algorithms developed to predict the effect of sequence changes on RNA splicing suggest that this variant may disrupt the consensus splice site. In summary, the currently available evidence indicates that the variant is pathogenic, but additional data are needed to prove that conclusively. Therefore, this variant has been classified as Likely Pathogenic.

Literature cited by the submitters: PubMed 16199547; PubMed 16329100; PubMed 23103650; PubMed 25452324.